The following is an entry in ClinVar:

ClinVar aggregate classification (germline): Uncertain significance (1 of 4 stars; one submission).

Submission:

Labcorp Genetics (formerly Invitae), Labcorp
Classification: Uncertain significance. Last evaluated: 2022-06-17. Review status: criteria provided, single submitter. Criteria: Invitae Variant Classification Sherloc (09022015). Collection method: clinical testing. Allele origin: germline.
Comment: This variant has not been reported in the literature in individuals affected with MARS2-related conditions. Algorithms developed to predict the effect of missense changes on protein structure and function are either unavailable or do not agree on the potential impact of this missense change (SIFT: "Deleterious"; PolyPhen-2: "Possibly Damaging"; Align-GVGD: "Class C15"). In summary, the available evidence is currently insufficient to determine the role of this variant in disease. Therefore, it has been classified as a Variant of Uncertain Significance. This variant is not present in population databases (gnomAD no frequency). This sequence change replaces valine, which is neutral and non-polar, with alanine, which is neutral and non-polar, at codon 195 of the MARS2 protein (p.Val195Ala).

NM_138395.4(MARS2):c.584T>C (p.Val195Ala)

Gene: MARS2 (methionyl-tRNA synthetase 2, mitochondrial; plus strand). Cytogenetic location: 2q33.1.
Variant type: single nucleotide variant.
Coding change: c.584T>C on transcript NM_138395.4 (MANE Select); coding-DNA position 584, T replaced by C.
Protein change: p.Val195Ala; replaces valine 195 with alanine.
Molecular consequence: missense variant.
Genome position (GRCh38, 1-based): chr2:197,705,989, T>C. VCF-style: chr2-197705989-T-C. GRCh37 (hg19) VCF-style: chr2-198570713-T-C.
Other names: short protein forms V195A.
Identifiers: ClinVar variation 2007468 (VCV002007468.4), dbSNP rs2468941214, ClinGen allele CA350212652.